The following is an entry in ClinVar:

NM_001082486.2(ACD):c.1271C>T (p.Ser424Phe)

Gene: ACD (ACD shelterin complex subunit and telomerase recruitment factor; minus strand). Cytogenetic location: 16q22.1.
Variant type: single nucleotide variant.
Coding change: c.1271C>T on transcript NM_001082486.2 (MANE Select); coding-DNA position 1271, C replaced by T.
Protein change: p.Ser424Phe; replaces serine 424 with phenylalanine.
Molecular consequence: missense variant.
Genome position (GRCh38, 1-based): chr16:67,657,789, G>A on the plus strand (C>T on the coding strand, the complement: ACD is on the minus strand). VCF-style: chr16-67657789-G-A. GRCh37 (hg19) VCF-style: chr16-67691692-G-A.
Other names: c.1184C>T, p.Ser395Phe (NM_001410884.1); c.1262C>T, p.Ser421Phe (NM_022914.3); short protein forms S395F, S421F, S424F.
Identifiers: ClinVar variation 1774572 (VCV001774572.2), dbSNP rs2052899904, ClinGen allele CA396349862.
Genomic context (GRCh38, chr16:67,657,789, plus strand): 5'-TGACCAAGAGTTGGGGCAGACCCAGGCACTCACCTGACAGCTTGGACCCGAGCACAGAGG[G>A]ACGTGCAGGGTGGCTCATACTCATACTGGAAGGCAGAACCATCACGATGCCTCTTTGGGG-3'
Protein context (NP_001075955.2, residues 414-434): FQYEYEPPCT[Ser424Phe]LCARVQAVRL

ClinVar aggregate classification (germline): Uncertain significance (1 of 4 stars; one submission).

Conditions:
Inborn genetic diseases. Identifiers: MedGen C0950123, MeSH D030342.

Allele frequency attached by ClinVar (database versions not stated): gnomAD 0.00001.
gnomAD v4.1: 1 of 1,613,978 alleles (0.000062%); highest among the groups gnomAD compares: Non-Finnish European, 0.000085%; no homozygotes.

Submission:

Ambry Genetics
Classification: Uncertain significance for Inborn genetic diseases. Last evaluated: 2021-09-01. Review status: criteria provided, single submitter. Criteria: Ambry Variant Classification Scheme 2023. Collection method: clinical testing. Allele origin: germline.
Comment: The p.S510F variant (also known as c.1529C>T), located in coding exon 11 of the ACD gene, results from a C to T substitution at nucleotide position 1529. The serine at codon 510 is replaced by phenylalanine, an amino acid with highly dissimilar properties. This amino acid position is conserved. In addition, this alteration is predicted to be tolerated by in silico analysis. Since supporting evidence is limited at this time, the clinical significance of this alteration remains unclear.